The following is an entry in ClinVar:

ClinVar aggregate classification (germline): Conflicting classifications of pathogenicity. Review status: criteria provided, conflicting classifications (1 of 4 stars). 9 submissions from 9 submitters: Likely pathogenic (1); Uncertain significance (6); Benign (1). 1 of the submissions does not count toward it. Last evaluated 2026-07-02.

Conditions:
FANCC-related disorder. Also called: FANCC-related condition.
Hereditary cancer-predisposing syndrome. Also called: Neoplastic Syndromes, Hereditary; Tumor predisposition; Hereditary Cancer Syndrome; Hereditary neoplastic syndrome. Identifiers: Orphanet 140162, MedGen C0027672, MeSH D009386, MONDO:0015356.
Ovarian cancer. Also called: OVARIAN CANCER, SOMATIC. Identifiers: Orphanet 213500, MedGen C1140680, MONDO:0008170, OMIM 167000.
Fanconi anemia (FA). Also called: Fanconi's anemia. Identifiers: Orphanet 84, MedGen C0015625, MeSH D005199, MONDO:0019391.
Fanconi anemia complementation group C (FANCC). Also called: Fanconi anemia, group C; FANCC-Related Fanconi Anemia; FANCONI PANCYTOPENIA, TYPE 3; FACC. Identifiers: Orphanet 84, MedGen C3468041, MONDO:0009213, OMIM 227645.

Allele frequency attached by ClinVar (database versions not stated): gnomAD exomes 0.00002 and 0.00009; gnomAD 0.00003; TOPMed 0.00005; ExAC 0.00007; 1000 Genomes Project 30x 0.00016; 1000 Genomes Project 0.00020.
gnomAD v4.1: 43 of 1,614,156 alleles (0.0027%); highest among the groups gnomAD compares: East Asian, 0.06%; no homozygotes.

Submissions (9):

PreventionGenetics, part of Exact Sciences
Classification: Uncertain significance for FANCC-related condition. Last evaluated: 2026-07-02. Review status: criteria provided, single submitter. Criteria: ACMG Guidelines, 2015. Collection method: clinical testing. Allele origin: germline.
Comment: The FANCC c.1595G>A variant is predicted to result in the amino acid substitution p.Arg532Lys. This variant has been reported in the literature in individuals with colorectal cancer and was classified as a variant of uncertain significance (Jiang et al. 2022. PubMed ID: 33563768). This variant is reported in 0.098% of alleles in individuals of East Asian descent in gnomAD. This variant has conflicting interpretations in ClinVar ranging from likely pathogenic to benign (Variation ID: 216285). At this time, the clinical significance of this variant is uncertain due to the absence of conclusive functional and genetic evidence.

Labcorp Genetics (formerly Invitae), Labcorp
Classification: Uncertain significance for Fanconi anemia. Last evaluated: 2025-09-28. Review status: criteria provided, single submitter. Criteria: Invitae Variant Classification Sherloc (09022015). Collection method: clinical testing. Allele origin: germline.
Comment: This sequence change replaces arginine, which is basic and polar, with lysine, which is basic and polar, at codon 532 of the FANCC protein (p.Arg532Lys). This variant is present in population databases (rs55939573, gnomAD 0.09%). This variant has not been reported in the literature in individuals affected with FANCC-related conditions. ClinVar contains an entry for this variant (Variation ID: 216285). Invitae Evidence Modeling of protein sequence and biophysical properties (such as structural, functional, and spatial information, amino acid conservation, physicochemical variation, residue mobility, and thermodynamic stability) indicates that this missense variant is expected to disrupt FANCC protein function with a positive predictive value of 80%. In summary, the available evidence is currently insufficient to determine the role of this variant in disease. Therefore, it has been classified as a Variant of Uncertain Significance.

Women's Health and Genetics/Laboratory Corporation of America, LabCorp
Classification: Uncertain significance. Last evaluated: 2024-12-05. Review status: criteria provided, single submitter. Criteria: LabCorp Variant Classification Summary - May 2015. Collection method: clinical testing. Allele origin: germline.
Comment: Variant summary: FANCC c.1595G>A (p.Arg532Lys) results in a conservative amino acid change in the encoded protein sequence. Three of five in-silico tools predict a damaging effect of the variant on protein function. The variant allele was found at a frequency of 9.1e-05 in 251396 control chromosomes. This frequency is not significantly higher than estimated for a pathogenic variant in FANCC causing Fanconi Anemia Group C (9.1e-05 vs 0.0018), allowing no conclusion about variant significance. c.1595G>A has been reported in the literature in at least one heterozygous individual affected with breast cancer (e.g. Chen_2019). This report does not provide unequivocal conclusions about association of the variant with Fanconi Anemia Group C. To our knowledge, no experimental evidence demonstrating an impact on protein function has been reported. The following publication has been ascertained in the context of this evaluation (PMID: 31867841). ClinVar contains an entry for this variant (Variation ID: 216285). Based on the evidence outlined above, the variant was classified as uncertain significance.

Blueprint Genetics
Classification: Uncertain significance. Last evaluated: 2024-06-13. Review status: criteria provided, single submitter. Criteria: ACMG Guidelines, 2015. Collection method: clinical testing. Allele origin: germline.

Ambry Genetics
Classification: Benign for Hereditary cancer-predisposing syndrome. Last evaluated: 2023-11-01. Review status: criteria provided, single submitter. Criteria: Ambry Variant Classification Scheme 2023. Collection method: clinical testing. Allele origin: germline.

Laboratory of Molecular Epidemiology of Birth Defects, West China Second University Hospital, Sichuan University
Classification: Likely pathogenic for Ovarian cancer. Last evaluated: 2022-01-01. Review status: criteria provided, single submitter. Criteria: ACMG Guidelines, 2015. Collection method: clinical testing. Allele origin: germline. Affected: yes.

GeneDx
Classification: Uncertain significance. Last evaluated: 2019-05-14. Review status: criteria provided, single submitter. Criteria: GeneDx Variant Classification Process June 2021. Collection method: clinical testing. Allele origin: germline. Affected: yes.
Comment: In silico analysis, which includes protein predictors and evolutionary conservation, supports that this variant does not alter protein structure/function; Has not been previously published as pathogenic or benign to our knowledge

Illumina Laboratory Services, Illumina
Classification: Uncertain significance for Fanconi anemia complementation group C. Last evaluated: 2018-01-13. Review status: criteria provided, single submitter. Criteria: ICSL Variant Classification Criteria 13 December 2019. Collection method: clinical testing. Allele origin: germline.

Natera, Inc.
Classification: Uncertain significance for Fanconi anemia. Last evaluated: 2019-01-18. Review status: no assertion criteria provided. Collection method: clinical testing. Allele origin: germline. Not counted in ClinVar's aggregate classification.

Literature cited by the submitters: PubMed 31867841 (cited by Women's Health and Genetics/Laboratory Corporation of America, LabCorp).

NM_000136.3(FANCC):c.1595G>A (p.Arg532Lys)

Genes: AOPEP (aminopeptidase O (putative); plus strand), FANCC (FA complementation group C; minus strand). Cytogenetic location: 9q22.32.
Variant type: single nucleotide variant.
Coding change: c.1595G>A on transcript NM_000136.3 (MANE Select); coding-DNA position 1595, G replaced by A.
Protein change: p.Arg532Lys; replaces arginine 532 with lysine.
Molecular consequence: missense variant.
Genome position (GRCh38, 1-based): chr9:95,101,789, C>T on the plus strand (G>A on the coding strand, the complement: FANCC is on the minus strand). VCF-style: chr9-95101789-C-T. GRCh37 (hg19) VCF-style: chr9-97864071-C-T.
Other names: c.1595G>A, p.Arg532Lys (NM_001243743.2); short protein forms R532K.
Identifiers: ClinVar variation 216285 (VCV000216285.24), dbSNP rs55939573, ClinGen allele CA339012.